The following is an entry in ClinVar:

NM_002887.4(RARS1):c.243A>G (p.Gln81=)

Gene: RARS1 (arginyl-tRNA synthetase 1; plus strand). Cytogenetic location: 5q34.
Variant type: single nucleotide variant.
Coding change: c.243A>G on transcript NM_002887.4 (MANE Select); coding-DNA position 243, A replaced by G.
Protein change: p.Gln81=; no amino-acid change (glutamine 81 retained).
Molecular consequence: synonymous variant.
Genome position (GRCh38, 1-based): chr5:168,492,721, A>G. VCF-style: chr5-168492721-A-G. GRCh37 (hg19) VCF-style: chr5-167919726-A-G.
Other names: p.Gln81=.
Identifiers: ClinVar variation 380050 (VCV000380050.12), dbSNP rs2305727, ClinGen allele CA3549564.

ClinVar aggregate classification (germline): Benign. Review status: criteria provided, multiple submitters, no conflicts (2 of 4 stars). 3 submissions from 3 submitters: Benign (3). Last evaluated 2026-02-03.

Allele frequency attached by ClinVar (database versions not stated): 1000 Genomes Project 0.07428; 1000 Genomes Project 30x 0.07448; TOPMed 0.11875; gnomAD 0.12951 and 0.13270; gnomAD exomes 0.13471; ExAC 0.13733; ESP Exome Variant Server 0.13740.
gnomAD v4.1: 268,504 of 1,611,766 alleles (17%); highest among the groups gnomAD compares: Non-Finnish European, 19%; 24,633 homozygotes.

Submissions (10):

Labcorp Genetics (formerly Invitae), Labcorp
Classification: Benign. Last evaluated: 2026-02-03. Review status: criteria provided, single submitter. Criteria: Invitae Variant Classification Sherloc (09022015). Collection method: clinical testing. Allele origin: germline.

Mayo Clinic Laboratories, Mayo Clinic
Classification: Benign. Last evaluated: 2022-10-27. Review status: criteria provided, single submitter. Criteria: ACMG Guidelines, 2015. Collection method: clinical testing. Allele origin: germline. Observed: 289 variant alleles.

GeneDx
Classification: Benign. Last evaluated: 2016-01-24. Review status: criteria provided, single submitter. Criteria: GeneDx Variant Classification (06012015). Collection method: clinical testing. Allele origin: germline. Affected: yes.
Comment: This variant is considered likely benign or benign based on one or more of the following criteria: it is a conservative change, it occurs at a poorly conserved position in the protein, it is predicted to be benign by multiple in silico algorithms, and/or has population frequency not consistent with disease.

Dr. Peter K. Rogan Lab, Western University
No classification provided (evidence only). Condition: Colorectal cancer. Review status: no classification provided. Collection method: in vitro. Allele origin: not applicable. Functional consequence: retained intron. Not counted in ClinVar's aggregate classification.

Dr. Peter K. Rogan Lab, Western University
No classification provided (evidence only). Condition: Colorectal cancer. Review status: no classification provided. Collection method: in vitro. Allele origin: not applicable. Functional consequence: retained intron. Not counted in ClinVar's aggregate classification.

Dr. Peter K. Rogan Lab, Western University
No classification provided (evidence only). Condition: Colorectal cancer. Review status: no classification provided. Collection method: in vitro. Allele origin: not applicable. Functional consequence: retained intron. Not counted in ClinVar's aggregate classification.

Dr. Peter K. Rogan Lab, Western University
No classification provided (evidence only). Condition: Malignant lymphoma, large B-cell, diffuse. Review status: no classification provided. Collection method: in vitro. Allele origin: not applicable. Functional consequence: retained intron. Not counted in ClinVar's aggregate classification.

Dr. Peter K. Rogan Lab, Western University
No classification provided (evidence only). Condition: Malignant lymphoma, large B-cell, diffuse. Review status: no classification provided. Collection method: in vitro. Allele origin: not applicable. Functional consequence: retained intron. Not counted in ClinVar's aggregate classification.

Dr. Peter K. Rogan Lab, Western University
No classification provided (evidence only). Condition: Uterine carcinosarcoma. Review status: no classification provided. Collection method: in vitro. Allele origin: not applicable. Functional consequence: retained intron. Not counted in ClinVar's aggregate classification.

Dr. Peter K. Rogan Lab, Western University
No classification provided (evidence only). Condition: Uterine carcinosarcoma. Review status: no classification provided. Collection method: in vitro. Allele origin: not applicable. Functional consequence: retained intron. Not counted in ClinVar's aggregate classification.